The following is an entry in ClinVar:

NM_000051.4(ATM):c.5613C>T (p.Thr1871=)

Gene: ATM (ATM serine/threonine kinase; plus strand). Cytogenetic location: 11q22.3.
Variant type: single nucleotide variant.
Coding change: c.5613C>T on transcript NM_000051.4 (MANE Select); coding-DNA position 5613, C replaced by T.
Protein change: p.Thr1871=; no amino-acid change (threonine 1871 retained).
Molecular consequence: synonymous variant.
Genome position (GRCh38, 1-based): chr11:108,304,791, C>T. VCF-style: chr11-108304791-C-T. GRCh37 (hg19) VCF-style: chr11-108175518-C-T.
Other names: c.5613C>T, p.Thr1871= (NM_001351834.2).
Identifiers: ClinVar variation 1331884 (VCV001331884.10), dbSNP rs2083601650, ClinGen allele CA476675168.

ClinVar aggregate classification (germline): Benign/Likely benign. Review status: criteria provided, multiple submitters, no conflicts (2 of 4 stars). 5 submissions from 5 submitters: Benign (1); Likely benign (4). Last evaluated 2025-09-22.

Conditions:
Hereditary cancer-predisposing syndrome. Also called: Hereditary Cancer Syndrome; Hereditary neoplastic syndrome; Neoplastic Syndromes, Hereditary; Tumor predisposition. Identifiers: Orphanet 140162, MedGen C0027672, MeSH D009386, MONDO:0015356.
Familial cancer of breast. Also called: BREAST CANCER, FAMILIAL; hereditary breast carcinoma; Hereditary breast cancer. Identifiers: Orphanet 227535, MedGen C0346153, MONDO:0016419, OMIM 114480. Disease mechanism: loss of function.
Ataxia-telangiectasia syndrome (AT). Also called: LOUIS-BAR SYNDROME; Cerebello-oculocutaneous telangiectasia; Immunodeficiency with ataxia telangiectasia; Ataxia-telangiectasia, complementation group D; AT, COMPLEMENTATION GROUP C; ATAXIA-TELANGIECTASIA, COMPLEMENTATION GROUP A. Identifiers: Orphanet 100, MedGen C0004135, MONDO:0008840, OMIM 208900.

Allele frequency attached by ClinVar (database versions not stated): gnomAD 0.00001.
gnomAD v4.1: 1 of 1,613,676 alleles (0.000062%); highest among the groups gnomAD compares: Admixed American, 0.0017%; no homozygotes.

Submissions (5):

Labcorp Genetics (formerly Invitae), Labcorp
Classification: Likely benign for Ataxia-telangiectasia syndrome. Last evaluated: 2025-09-22. Review status: criteria provided, single submitter. Criteria: Invitae Variant Classification Sherloc (09022015). Collection method: clinical testing. Allele origin: germline.

Ambry Genetics
Classification: Likely benign for Hereditary cancer-predisposing syndrome. Last evaluated: 2024-08-24. Review status: criteria provided, single submitter. Criteria: Ambry Variant Classification Scheme 2023. Collection method: clinical testing. Allele origin: germline.

Myriad Genetics, Inc.
Classification: Benign for Familial cancer of breast. Last evaluated: 2024-05-23. Review status: criteria provided, single submitter. Criteria: Myriad Autosomal Dominant, Autosomal Recessive and X-Linked Classification Criteria (2023). Collection method: clinical testing. Allele origin: unknown.
Comment: This variant is considered benign. This variant is a silent/synonymous amino acid change and it is not expected to impact splicing.

Sema4
Classification: Likely benign for Hereditary cancer-predisposing syndrome. Last evaluated: 2021-09-01. Review status: criteria provided, single submitter. Criteria: Sema4 Curation Guidelines. Collection method: curation. Allele origin: germline.

Color Diagnostics, LLC DBA Color Health
Classification: Likely benign for Hereditary cancer-predisposing syndrome. Last evaluated: 2021-06-15. Review status: criteria provided, single submitter. Criteria: ACMG Guidelines, 2015. Collection method: clinical testing. Allele origin: germline.